The following is an entry in ClinVar:

NM_000474.4(TWIST1):c.262GGC[7] (p.Gly92_Ser93insGlyGly)

Gene: TWIST1 (twist family bHLH transcription factor 1; minus strand). Cytogenetic location: 7p21.1.
Variant type: Microsatellite.
Coding change: c.262GGC[7] on transcript NM_000474.4 (MANE Select); seven copies in a row of the 3-base unit GGC starting at c.262; the reference has five copies in a row; two copies, 6 bases duplicated.
Protein change: p.Gly92_Ser93insGlyGly.
Molecular consequence: inframe insertion. On other transcripts: non-coding transcript variant (1).
Genome position (GRCh38, 1-based): chr7:19,117,046-19,117,051, GCCGCC duplicated on the plus strand (GGCGGC on the coding strand, the reverse complement: TWIST1 is on the minus strand); duplicating any 6 consecutive bases within chr7:19,117,046-19,117,060 gives the same sequence; the position shown is the placement nearest the transcript's 3' end. VCF-style (leftmost placement, unchanged base first): chr7-19117045-T-TGCCGCC. GRCh37 (hg19) VCF-style: chr7-19156668-T-TGCCGCC.
Identifiers: ClinVar variation 2628889 (VCV002628889.1), dbSNP rs750238627, ClinGen allele CA573294068.
Genomic context (GRCh38, chr7:19,117,045, plus strand): 5'-CCATGACCCGCTGCGTCTGCAGCTCCTCGTAAGACTGCGGACTCCCGCCGCCGCTGCTGC[T>TGCCGCC]GCCGCCGCCGCCGCCCGCGCCGCCGCCGCCGCCACAGCCCGCAGACTTCTTGCCGCGCTT-3'

ClinVar aggregate classification (germline): Uncertain significance (1 of 4 stars; one submission).

Conditions:
TWIST1-related disorder.

Submission:

PreventionGenetics, part of Exact Sciences
Classification: Uncertain significance for TWIST1-related condition. Last evaluated: 2023-03-22. Review status: criteria provided, single submitter. Criteria: ACMG Guidelines, 2015. Collection method: clinical testing. Allele origin: germline.
Comment: The TWIST1 c.271_276dup6 variant is predicted to result in an in-frame duplication (p.Gly91_Gly92dup). To our knowledge, this variant has not been reported in the literature. This variant is reported in 0.020% of alleles in individuals of European (Non-Finnish) descent in gnomAD. At this time, the clinical significance of this variant is uncertain due to the absence of conclusive functional and genetic evidence.